The following is an entry in ClinVar:

ClinVar aggregate classification (germline): Uncertain significance. Review status: criteria provided, multiple submitters, no conflicts (2 of 4 stars). 2 submissions from 2 submitters: Uncertain significance (2). Last evaluated 2025-04-10.

Allele frequency attached by ClinVar (database versions not stated): ExAC 0.00002; gnomAD 0.00002; gnomAD exomes 0.00002; TOPMed 0.00003.
gnomAD v4.1: 202 of 1,613,916 alleles (0.013%); highest among the groups gnomAD compares: Non-Finnish European, 0.017%; no homozygotes.

Submissions (2):

Ambry Genetics
Classification: Uncertain significance. Last evaluated: 2025-04-10. Review status: criteria provided, single submitter. Criteria: Ambry Variant Classification Scheme 2023. Collection method: clinical testing. Allele origin: germline.

Labcorp Genetics (formerly Invitae), Labcorp
Classification: Uncertain significance. Last evaluated: 2022-03-18. Review status: criteria provided, single submitter. Criteria: Invitae Variant Classification Sherloc (09022015). Collection method: clinical testing. Allele origin: germline.
Comment: This sequence change replaces leucine, which is neutral and non-polar, with methionine, which is neutral and non-polar, at codon 1280 of the DISP1 protein (p.Leu1280Met). This variant is present in population databases (rs754468285, gnomAD 0.005%). This variant has not been reported in the literature in individuals affected with DISP1-related conditions. Algorithms developed to predict the effect of missense changes on protein structure and function (SIFT, PolyPhen-2, Align-GVGD) all suggest that this variant is likely to be tolerated. In summary, the available evidence is currently insufficient to determine the role of this variant in disease. Therefore, it has been classified as a Variant of Uncertain Significance.

NM_001377229.1(DISP1):c.3838T>A (p.Leu1280Met)

Gene: DISP1 (dispatched RND transporter family member 1; plus strand). Cytogenetic location: 1q41.
Variant type: single nucleotide variant.
Coding change: c.3838T>A on transcript NM_001377229.1 (MANE Select); coding-DNA position 3838, T replaced by A.
Protein change: p.Leu1280Met; replaces leucine 1280 with methionine.
Molecular consequence: missense variant.
Genome position (GRCh38, 1-based): chr1:223,005,235, T>A. VCF-style: chr1-223005235-T-A. GRCh37 (hg19) VCF-style: chr1-223178577-T-A.
Other names: c.3109T>A, p.Leu1037Met (NM_001350630.2); c.3838T>A, p.Leu1280Met (NM_001369594.1, NM_001377228.1, NM_032890.5); c.3838T>A (NM_032890.3); short protein forms L1280M, L1037M.
Identifiers: ClinVar variation 1419852 (VCV001419852.7), dbSNP rs754468285, ClinGen allele CA1409483.